The following is an entry in ClinVar:

ClinVar aggregate classification (germline): Uncertain significance (1 of 4 stars; one submission).

Conditions:
Leukodystrophy, hypomyelinating, 15. Identifiers: MedGen C4693733, MONDO:0054782, OMIM 617951.

Submission:

Diagnostics Services (NGS), CSIR - Centre For Cellular And Molecular Biology
Classification: Uncertain significance for Leukodystrophy, hypomyelinating, 15. Last evaluated: 2019-10-22. Review status: criteria provided, single submitter. Criteria: ACMG Guidelines, 2015. Collection method: clinical testing. Allele origin: unknown. Inheritance: Autosomal recessive inheritance. Affected: yes. Observed: 1 compound heterozygote.
Comment: The c.3344C>T variant is not present in publicly available databases like 1000 Genomes, Exome Variant Server (EVS), Exome Aggregation Consortium (ExAC), Genome Aggregation Database (gnomAD) and dbSNP. The variant is also not present in our in-house exome database. The variant was also not reported to OMIM, ClinVar and Human Genome Mutation Database (HGMD) in any other affected individuals. In-silico pathogenicity prediction programs like PolyPhen2, SIFT, Mutation Taster2, CADD etc. predicted this variant as likely disease causing. Due to lack of enough evidence and also considering the phenotype of the patient the variant has been classified as uncertain significance as per ACMG guidelines.

NM_004446.3(EPRS1):c.3344C>T (p.Pro1115Leu)

Gene: EPRS1 (glutamyl-prolyl-tRNA synthetase 1; minus strand). Cytogenetic location: 1q41.
Variant type: single nucleotide variant.
Coding change: c.3344C>T on transcript NM_004446.3 (MANE Select); coding-DNA position 3344, C replaced by T.
Protein change: p.Pro1115Leu; replaces proline 1115 with leucine.
Molecular consequence: missense variant.
Genome position (GRCh38, 1-based): chr1:219,982,801, G>A on the plus strand (C>T on the coding strand, the complement: EPRS1 is on the minus strand). VCF-style: chr1-219982801-G-A. GRCh37 (hg19) VCF-style: chr1-220156143-G-A.
Other names: short protein forms P1115L.
Identifiers: ClinVar variation 800725 (VCV000800725.5), dbSNP rs1288116010, ClinGen allele CA344637892.